The following is an entry in ClinVar:

NM_004448.4(ERBB2):c.271G>C (p.Val91Leu)

Gene: ERBB2 (erb-b2 receptor tyrosine kinase 2; plus strand). Cytogenetic location: 17q12.
Variant type: single nucleotide variant.
Coding change: c.271G>C on transcript NM_004448.4 (MANE Select); coding-DNA position 271, G replaced by C.
Protein change: p.Val91Leu; replaces valine 91 with leucine.
Molecular consequence: missense variant. On other transcripts: non-coding transcript variant (1), intron variant (1).
Genome position (GRCh38, 1-based): chr17:39,708,366, G>C. VCF-style: chr17-39708366-G-C. GRCh37 (hg19) VCF-style: chr17-37864619-G-C.
Other names: c.181G>C, p.Val61Leu (NM_001005862.3, NM_001289938.2, NM_001382782.1 and 1 more transcripts); c.226G>C, p.Val76Leu (NM_001289936.2); c.271G>C, p.Val91Leu (NM_001289937.2, NM_001382784.1, NM_001382785.1 and 19 more transcripts); c.262G>C, p.Val88Leu (NM_001382791.1); c.74-3562G>C (NM_001382804.1); short protein forms V88L, V61L, V91L, V76L.
Identifiers: ClinVar variation 2842026 (VCV002842026.3), dbSNP rs2145438813, ClinGen allele CA399272065.

ClinVar aggregate classification (germline): Uncertain significance (1 of 4 stars; one submission).

Submission:

Labcorp Genetics (formerly Invitae), Labcorp
Classification: Uncertain significance. Last evaluated: 2023-03-02. Review status: criteria provided, single submitter. Criteria: Invitae Variant Classification Sherloc (09022015). Collection method: clinical testing. Allele origin: germline.
Comment: This sequence change replaces valine, which is neutral and non-polar, with leucine, which is neutral and non-polar, at codon 91 of the ERBB2 protein (p.Val91Leu). In summary, the available evidence is currently insufficient to determine the role of this variant in disease. Therefore, it has been classified as a Variant of Uncertain Significance. Advanced modeling of protein sequence and biophysical properties (such as structural, functional, and spatial information, amino acid conservation, physicochemical variation, residue mobility, and thermodynamic stability) performed at Invitae indicates that this missense variant is not expected to disrupt ERBB2 protein function. This variant has not been reported in the literature in individuals affected with ERBB2-related conditions. This variant is not present in population databases (gnomAD no frequency).